The following is an entry in ClinVar:

NM_000179.3(MSH6):c.116G>C (p.Gly39Ala)

Gene: MSH6 (mutS homolog 6; plus strand). Cytogenetic location: 2p16.3.
Variant type: single nucleotide variant.
Coding change: c.116G>C on transcript NM_000179.3 (MANE Select); coding-DNA position 116, G replaced by C.
Protein change: p.Gly39Ala; replaces glycine 39 with alanine.
Molecular consequence: missense variant. On other transcripts: 5 prime UTR variant (1).
Genome position (GRCh38, 1-based): chr2:47,783,349, G>C. VCF-style: chr2-47783349-G-C. GRCh37 (hg19) VCF-style: chr2-48010488-G-C.
Other names: c.116G>C, p.Gly39Ala (NM_001281492.2); c.-621G>C (NM_001281493.2); short protein forms G39A.
Identifiers: ClinVar variation 419079 (VCV000419079.18), dbSNP rs1042821, ClinGen allele CA067248.

ClinVar aggregate classification (germline): Conflicting classifications of pathogenicity. Review status: criteria provided, conflicting classifications (1 of 4 stars). 6 submissions from 6 submitters: Uncertain significance (4); Benign (1); Likely benign (1). Last evaluated 2025-11-12.

Conditions:
Lynch syndrome. Identifiers: Orphanet 144, MedGen C4552100, MONDO:0005835. Disease mechanism: loss of function.
Hereditary nonpolyposis colorectal neoplasms. Identifiers: MedGen C0009405, MeSH D003123.
Hereditary cancer-predisposing syndrome. Also called: Hereditary neoplastic syndrome; Tumor predisposition; Neoplastic Syndromes, Hereditary; Hereditary Cancer Syndrome. Identifiers: Orphanet 140162, MedGen C0027672, MeSH D009386, MONDO:0015356.

gnomAD v4.1: 1 of 1,608,318 alleles (0.000062%); highest among the groups gnomAD compares: Admixed American, 0.0017%; no homozygotes.

Submissions (6):

Labcorp Genetics (formerly Invitae), Labcorp
Classification: Benign for Hereditary nonpolyposis colorectal neoplasms. Last evaluated: 2025-11-12. Review status: criteria provided, single submitter. Criteria: Invitae Variant Classification Sherloc (09022015). Collection method: clinical testing. Allele origin: germline.

Women's Health and Genetics/Laboratory Corporation of America, LabCorp
Classification: Uncertain significance. Last evaluated: 2025-11-05. Review status: criteria provided, single submitter. Criteria: LabCorp Variant Classification Summary - May 2015. Collection method: clinical testing. Allele origin: germline.
Comment: Variant summary: MSH6 c.116G>C (p.Gly39Ala) results in a non-conservative amino acid change in the encoded protein sequence. Algorithms developed to predict the effect of missense changes on protein structure and function are either unavailable or do not agree on the potential impact of this missense change. The variant allele was found at a frequency of 8.6e-06 in 231236 control chromosomes. The available data on variant occurrences in the general population are insufficient to allow any conclusion about variant significance. To our knowledge, no occurrence of c.116G>C in individuals affected with MSH6-related conditions and no experimental evidence demonstrating its impact on protein function have been reported. ClinVar contains an entry for this variant (Variation ID: 419079). Based on the evidence outlined above, the variant was classified as uncertain significance.

Color Diagnostics, LLC DBA Color Health
Classification: Uncertain significance for Hereditary cancer-predisposing syndrome. Last evaluated: 2025-09-05. Review status: criteria provided, single submitter. Criteria: ACMG Guidelines, 2015. Collection method: clinical testing. Allele origin: germline.
Comment: This missense variant replaces glycine with alanine at codon 39 of the MSH6 protein. Computational prediction suggests that this variant may not impact protein structure and function. To our knowledge, functional studies have not been reported for this variant. This variant has not been reported in individuals affected with MSH6-related disorders in the literature. This variant has been identified in 2/231236 chromosomes in the general population by the Genome Aggregation Database (gnomAD). The available evidence is insufficient to determine the role of this variant in disease conclusively. Therefore, this variant is classified as a Variant of Uncertain Significance.

Ambry Genetics
Classification: Likely benign for Hereditary cancer-predisposing syndrome. Last evaluated: 2024-11-19. Review status: criteria provided, single submitter. Criteria: Ambry Variant Classification Scheme 2023. Collection method: clinical testing. Allele origin: germline.

All of Us Research Program, National Institutes of Health
Classification: Uncertain significance for Lynch syndrome. Last evaluated: 2023-06-26. Review status: criteria provided, single submitter. Criteria: ACMG Guidelines, 2015. Collection method: clinical testing. Allele origin: germline. Inheritance: Autosomal dominant inheritance. Observed: 1 variant allele, 1 heterozygote.
Comment: This missense variant replaces glycine with alanine at codon 39 of the MSH6 protein. Computational prediction suggests that this variant may not impact protein structure and function (internally defined REVEL score threshold <= 0.5, PMID: 27666373). To our knowledge, functional studies have not been reported for this variant. This variant has not been reported in individuals affected with MSH6-related disorders in the literature. This variant has been identified in 2/231236 chromosomes in the general population by the Genome Aggregation Database (gnomAD). The available evidence is insufficient to determine the role of this variant in disease conclusively. Therefore, this variant is classified as a Variant of Uncertain Significance.

This study involves interpretation of variants in research participants for the purpose of population health screening. Participant phenotype was not available at the time of variant classification. Additional details can be found in publication PMID: 35346344, PMCID: PMC8962531

GeneDx
Classification: Uncertain significance. Last evaluated: 2016-05-16. Review status: criteria provided, single submitter. Criteria: GeneDx Variant Classification (06012015). Collection method: clinical testing. Allele origin: germline. Affected: yes.
Comment: This variant is denoted MSH6 c.116G>C at the cDNA level, p.Gly39Ala (G39A) at the protein level, and results in the change of a Glycine to an Alanine (GGG>GCG). This variant has not, to our knowledge, been published in the literature as pathogenic or benign. MSH6 Gly39Ala was not observed in approximately 6,500 individuals of European and African American ancestry in the NHLBI Exome Sequencing Project, suggesting it is not a common benign variant in these populations. Since Glycine and Alanine share similar properties, this is considered a conservative amino acid substitution. MSH6 Gly39Ala occurs at a position that is not conserved and is not located in a known functional domain (Kariola 2002, Terui 2013). In silico analyses are inconsistent regarding the effect this variant may have on protein structure and function. Based on currently available evidence, it is unclear whether MSH6 Gly39Ala is a pathogenic or benign variant. We consider it to be a variant of uncertain significance.